The following is an entry in ClinVar:

NM_000021.4(PSEN1):c.932A>G (p.Lys311Arg)

Gene: PSEN1 (presenilin 1; plus strand). Cytogenetic location: 14q24.2.
Variant type: single nucleotide variant.
Coding change: c.932A>G on transcript NM_000021.4 (MANE Select); coding-DNA position 932, A replaced by G.
Protein change: p.Lys311Arg; replaces lysine 311 with arginine.
Molecular consequence: missense variant.
Genome position (GRCh38, 1-based): chr14:73,206,449, A>G. VCF-style: chr14-73206449-A-G. GRCh37 (hg19) VCF-style: chr14-73673157-A-G.
Other names: p.Lys311Arg; c.920A>G, p.Lys307Arg (NM_007318.3); c.932A>G (NM_000021.3); short protein forms K307R, K311R.
Identifiers: ClinVar variation 1385206 (VCV001385206.17), dbSNP rs115865530, ClinGen allele CA7256861.
Genomic context (GRCh38, chr14:73,206,449, plus strand): 5'-CAATGGTGTGGTTGGTGAATATGGCAGAAGGAGACCCGGAAGCTCAAAGGAGAGTATCCA[A>G]AAATTCCAAGTATAATGCAGAAAGTAGGTAACTTTTATTAGATAATATCTTGATTTTTCA-3'
Protein context (NP_000012.1, residues 301-321): GDPEAQRRVS[Lys311Arg]NSKYNAESTE

ClinVar aggregate classification (germline): Conflicting classifications of pathogenicity. Review status: criteria provided, conflicting classifications (1 of 4 stars). 8 submissions from 8 submitters: Uncertain significance (6); Likely benign (1). 1 of the submissions does not count toward it. Last evaluated 2025-11-11.

Conditions:
Alzheimer disease 3 (AD3). Also called: ALZHEIMER DISEASE, FAMILIAL, 3. Identifiers: Orphanet 1020, MedGen C1843013, MONDO:0011913, OMIM 607822.
Pick disease. Also called: Pick's disease; PICK DISEASE OF BRAIN; DEMENTIA WITH LOBAR ATROPHY AND NEURONAL CYTOPLASMIC INCLUSIONS; Pick Disease of the Brain; LOBAR ATROPHY OF BRAIN. Identifiers: Orphanet 282, MedGen C0236642, MONDO:0008243, OMIM 172700.
Frontotemporal dementia (FTD1). Also called: Dementia, frontotemporal, with or without parkinsonism; FRONTOTEMPORAL LOBAR DEGENERATION WITH TAU INCLUSIONS; FTLD WITH TAU INCLUSIONS; Frontotemporal Dementia with Parkinsonism-17 (FTDP-17); Frontotemporal lobe dementia (FLDEM); FRONTOTEMPORAL DEMENTIA WITH PARKINSONISM. Identifiers: Orphanet 282, MedGen C0338451, MONDO:0017276, OMIM 600274, HP:0002145.
Acne inversa, familial, 3 (ACNINV3). Identifiers: MedGen C3151038, MONDO:0013398, OMIM 613737.
Dilated cardiomyopathy 1U. Identifiers: Orphanet 154, MedGen C3160720, MONDO:0013371, OMIM 613694.
PSEN1-related disorder. Also called: PSEN1-related condition.

Allele frequency attached by ClinVar (database versions not stated): gnomAD 0.00004; gnomAD exomes 0.00007 and 0.00014; TOPMed 0.00007; ExAC 0.00013; ESP Exome Variant Server 0.00015.
gnomAD v4.1: 111 of 1,613,740 alleles (0.0069%); highest among the groups gnomAD compares: East Asian, 0.08%; no homozygotes.

Submissions (8):

Women's Health and Genetics/Laboratory Corporation of America, LabCorp
Classification: Uncertain significance. Last evaluated: 2025-11-11. Review status: criteria provided, single submitter. Criteria: LabCorp Variant Classification Summary - May 2015. Collection method: clinical testing. Allele origin: germline.
Comment: Variant summary: PSEN1 c.932A>G (p.Lys311Arg) results in a conservative amino acid change in the encoded protein sequence. Algorithms developed to predict the effect of missense changes on protein structure and function are either unavailable or do not agree on the potential impact of this missense change. The variant allele was found at a frequency of 0.00014 in 251356 control chromosomes. This frequency is not significantly higher than estimated for disease-causing variants in PSEN1, allowing no conclusion about variant significance. c.932A>G has been reported in the literature in individuals affected with late-onset Alzheimer Disease, frontotemporal dementia or multiple system atrophy without strong evidence of causality (e.g. Dong_2017, Kim_2018, Jia_2020, Jiao_2021, Bisceglia_2022, Li_2024). These reports do not provide unequivocal conclusions about association of the variant with Alzheimer Disease, Type 3. At least one publication reports experimental evidence evaluating an impact on protein function, finding that the variant results in an altered ratio of amyloid-beta species and enhanced tau phosphorylation (Dong_2017). However, this does not allow convincing conclusions about the variant effect. The following publications have been ascertained in the context of this evaluation (PMID: 28269784, 30054184, 31914229, 34389718, 35645353, 39152783). ClinVar contains an entry for this variant (Variation ID: 1385206). Based on the evidence outlined above, the variant was classified as uncertain significance.

Mayo Clinic Laboratories, Mayo Clinic
Classification: Uncertain significance. Last evaluated: 2025-09-22. Review status: criteria provided, single submitter. Criteria: ACMG Guidelines, 2015. Collection method: clinical testing. Allele origin: germline. Observed: 1 variant allele.
Comment: PP3

Labcorp Genetics (formerly Invitae), Labcorp
Classification: Uncertain significance for Alzheimer disease 3; Pick disease; Acne inversa, familial, 3; Frontotemporal dementia. Last evaluated: 2025-08-21. Review status: criteria provided, single submitter. Criteria: Invitae Variant Classification Sherloc (09022015). Collection method: clinical testing. Allele origin: germline.
Comment: This sequence change replaces lysine, which is basic and polar, with arginine, which is basic and polar, at codon 311 of the PSEN1 protein (p.Lys311Arg). This variant is present in population databases (rs115865530, gnomAD 0.1%), and has an allele count higher than expected for a pathogenic variant. This missense change has been observed in individual(s) with late-onset Alzheimer's disease and/or frontotemporal dementia (PMID: 28269784, 30054184). ClinVar contains an entry for this variant (Variation ID: 1385206). Invitae Evidence Modeling of protein sequence and biophysical properties (such as structural, functional, and spatial information, amino acid conservation, physicochemical variation, residue mobility, and thermodynamic stability) indicates that this missense variant is not expected to disrupt PSEN1 protein function with a negative predictive value of 95%. Experimental studies have shown that this missense change affects PSEN1 function (PMID: 28269784). In summary, the available evidence is currently insufficient to determine the role of this variant in disease. Therefore, it has been classified as a Variant of Uncertain Significance.

Blueprint Genetics
Classification: Likely benign. Last evaluated: 2024-11-26. Review status: criteria provided, single submitter. Criteria: ACMG Guidelines, 2015. Collection method: clinical testing. Allele origin: germline.

Genomic Medicine Center of Excellence, King Faisal Specialist Hospital and Research Centre
Classification: Uncertain significance for Alzheimer disease 3. Last evaluated: 2024-03-26. Review status: criteria provided, single submitter. Criteria: ACMG Guidelines, 2015. Collection method: clinical testing. Allele origin: germline.

Department of Pathology and Laboratory Medicine, Sinai Health System
Classification: Uncertain significance for Alzheimer disease 3; Frontotemporal dementia; Acne inversa, familial, 3; Pick disease. Last evaluated: 2023-04-04. Review status: criteria provided, single submitter. Criteria: ACMG Guidelines, 2015. Collection method: research. Allele origin: germline.

Juno Genomics, Hangzhou Juno Genomics, Inc
Classification: Uncertain significance for Alzheimer disease 3; Dilated cardiomyopathy 1U; Acne inversa, familial, 3; Frontotemporal dementia; Pick disease. Review status: criteria provided, single submitter. Criteria: ACMG Guidelines, 2015. Collection method: clinical testing. Allele origin: germline.
Comment: Absent from controls (or at extremely low frequency if recessive) in Genome Aggregation Database.;Missense variant in a gene that has a low rate of benign missense variation.;The prevalence of the variant in affected individuals is significantly increased compared to the prevalence in controls.;Patient's phenotype or family history is highly specific for a disease with a single genetic etiology.;Well-established in vitro or in vivo functional studies supportive of a damaging effect on the gene or gene product.

PreventionGenetics, part of Exact Sciences
Classification: Uncertain significance for PSEN1-related condition. Last evaluated: 2024-01-31. Review status: no assertion criteria provided. Collection method: clinical testing. Allele origin: germline. Not counted in ClinVar's aggregate classification.
Comment: The PSEN1 c.932A>G variant is predicted to result in the amino acid substitution p.Lys311Arg. This variant was reported in individuals with late-onset Alzheimer disease/frontotemporal dementia/early-onset Parkinson's disease (Dong et al 2017. PubMed ID: 28269784; Table S2, Kim et al 2018. PubMed ID: 30054184; Jia et al 2020. PubMed ID: 31914229; Table S13-4, Chen et al 2022. PubMed ID: 35861376). This variant along with p.Glu318Gly variant in this gene was reported as risk variant in individuals with Alzheimer's disease (Yang et al. 2023. PubMed ID: 37895139; Bisceglia et al 2022. PubMed ID: 35645353). This variant is reported in 0.090% of alleles in individuals of East Asian descent in gnomAD. In ClinVar, this variant is interpreted as uncertain. At this time, the clinical significance of this variant is uncertain due to the absence of conclusive functional and genetic evidence.

Literature cited by the submitters: PubMed 35645353 (cited by Women's Health and Genetics/Laboratory Corporation of America, LabCorp and Mayo Clinic Laboratories, Mayo Clinic); PubMed 28269784 (cited by 3 submitters); PubMed 31914229 (cited by Women's Health and Genetics/Laboratory Corporation of America, LabCorp and Mayo Clinic Laboratories, Mayo Clinic); PubMed 34389718 (cited by Women's Health and Genetics/Laboratory Corporation of America, LabCorp and Mayo Clinic Laboratories, Mayo Clinic); PubMed 30054184 (cited by 3 submitters); PubMed 39152783 (cited by Women's Health and Genetics/Laboratory Corporation of America, LabCorp and Mayo Clinic Laboratories, Mayo Clinic); PubMed 32235595 (cited by Mayo Clinic Laboratories, Mayo Clinic); PubMed 33397166 (cited by Mayo Clinic Laboratories, Mayo Clinic); PubMed 35861376 (cited by Mayo Clinic Laboratories, Mayo Clinic); PubMed 37895139 (cited by Mayo Clinic Laboratories, Mayo Clinic); PubMed 40016812 (cited by Mayo Clinic Laboratories, Mayo Clinic).